The following is an entry in ClinVar:

ClinVar aggregate classification (germline): Uncertain significance (1 of 4 stars; one submission).

Allele frequency attached by ClinVar (database versions not stated): ExAC 0.00001; TOPMed 0.00002.

Submission:

Labcorp Genetics (formerly Invitae), Labcorp
Classification: Uncertain significance. Last evaluated: 2025-12-24. Review status: criteria provided, single submitter. Criteria: Invitae Variant Classification Sherloc (09022015). Collection method: clinical testing. Allele origin: germline.
Comment: This sequence change falls in intron 16 of the NAA15 gene. It does not directly change the encoded amino acid sequence of the NAA15 protein. This variant is present in population databases (rs752341387, gnomAD 0.005%). This variant has not been reported in the literature in individuals affected with NAA15-related conditions. ClinVar contains an entry for this variant (Variation ID: 1955160). Algorithms developed to predict the effect of sequence changes on RNA splicing suggest that this variant may disrupt the consensus splice site. In summary, the available evidence is currently insufficient to determine the role of this variant in disease. Therefore, it has been classified as a Variant of Uncertain Significance.

NM_057175.5(NAA15):c.2057-15T>G

Gene: NAA15 (N-alpha-acetyltransferase 15, NatA auxiliary subunit; plus strand). Cytogenetic location: 4q31.1.
Variant type: single nucleotide variant.
Coding change: c.2057-15T>G on transcript NM_057175.5 (MANE Select); 15 bases into the intron before coding-DNA position 2057, T replaced by G.
Molecular consequence: intron variant.
Genome position (GRCh38, 1-based): chr4:139,378,741, T>G. VCF-style: chr4-139378741-T-G. GRCh37 (hg19) VCF-style: chr4-140299895-T-G.
Identifiers: ClinVar variation 1955160 (VCV001955160.5), dbSNP rs752341387, ClinGen allele CA3083768.